The following is an entry in ClinVar:

ClinVar aggregate classification (germline): Benign (1 of 4 stars; one submission).

Conditions:
Parietal foramina 2 (PFM2). Identifiers: Orphanet 60015, MedGen C1865044, MONDO:0012309, OMIM 609597.

Allele frequency attached by ClinVar (database versions not stated): gnomAD 0.00002; 1000 Genomes Project 30x 0.00047; 1000 Genomes Project 0.00060.

Submission:

Illumina Laboratory Services, Illumina
Classification: Benign for Parietal foramina 2. Last evaluated: 2018-01-13. Review status: criteria provided, single submitter. Criteria: ICSL Variant Classification Criteria 13 December 2019. Collection method: clinical testing. Allele origin: germline.
Comment: This variant was observed in the ICSL laboratory as part of a predisposition screen in an ostensibly healthy population. It had not been previously curated by ICSL or reported in the Human Gene Mutation Database (HGMD: prior to June 1st, 2018), and was therefore a candidate for classification through an automated scoring system. Utilizing variant allele frequency, disease prevalence and penetrance estimates, and inheritance mode, an automated score was calculated to assess if this variant is too frequent to cause the disease. Based on the score and internal cut-off values, a variant classified as benign is not then subjected to further curation. The score for this variant resulted in a classification of benign for this disease.

NM_021926.4(ALX4):c.*3081C>T

Gene: ALX4 (ALX homeobox 4; minus strand). Cytogenetic location: 11p11.2.
Variant type: single nucleotide variant.
Coding change: c.*3081C>T on transcript NM_021926.4 (MANE Select); 3081 bases downstream of the stop codon, C replaced by T.
Molecular consequence: 3 prime UTR variant.
Genome position (GRCh38, 1-based): chr11:44,261,773, G>A on the plus strand (C>T on the coding strand, the complement: ALX4 is on the minus strand). VCF-style: chr11-44261773-G-A. GRCh37 (hg19) VCF-style: chr11-44283323-G-A.
Other names: c.*3081C>T (LRG_1256t1).
Identifiers: ClinVar variation 304624 (VCV000304624.5), dbSNP rs139681611, ClinGen allele CA10634866.